The following is an entry in ClinVar:

ClinVar aggregate classification (germline): Conflicting classifications of pathogenicity. Review status: criteria provided, conflicting classifications (1 of 4 stars). 2 submissions from 2 submitters: Uncertain significance (1); Likely benign (1). Last evaluated 2022-11-18.

Allele frequency attached by ClinVar (database versions not stated): TOPMed 0.00001.
gnomAD v4.1: 5 of 1,563,756 alleles (0.00032%); highest among the groups gnomAD compares: African/African-American, 0.0014%; no homozygotes.

Submissions (2):

GeneDx
Classification: Uncertain significance. Last evaluated: 2022-11-18. Review status: criteria provided, single submitter. Criteria: GeneDx Variant Classification Process June 2021. Collection method: clinical testing. Allele origin: germline. Affected: yes.
Comment: Has not been previously published as pathogenic or benign to our knowledge; In silico analysis supports that this missense variant does not alter protein structure/function; Missense variants in this gene are often considered pathogenic (HGMD); Not observed at significant frequency in large population cohorts (gnomAD); This variant is associated with the following publications: (PMID: 29493581)

Laboratory for Molecular Medicine, Mass General Brigham Personalized Medicine
Classification: Likely benign. Last evaluated: 2011-02-01. Review status: criteria provided, single submitter. Criteria: LMM Criteria. Collection method: clinical testing. Allele origin: germline. Observed: 2 variant alleles.

NM_030662.4(MAP2K2):c.49A>G (p.Thr17Ala)

Genes: MAP2K2 (mitogen-activated protein kinase kinase 2; minus strand), LOC130063193 (ATAC-STARR-seq lymphoblastoid silent region 9881; plus strand). Cytogenetic location: 19p13.3.
Variant type: single nucleotide variant.
Coding change: c.49A>G on transcript NM_030662.4 (MANE Select); coding-DNA position 49, A replaced by G.
Protein change: p.Thr17Ala; replaces threonine 17 with alanine.
Molecular consequence: missense variant.
Genome position (GRCh38, 1-based): chr19:4,123,827, T>C on the plus strand (A>G on the coding strand, the complement: MAP2K2 is on the minus strand). VCF-style: chr19-4123827-T-C. GRCh37 (hg19) VCF-style: chr19-4123824-T-C.
Other names: short protein forms T17A.
Identifiers: ClinVar variation 46238 (VCV000046238.8), dbSNP rs397517415, ClinGen allele CA137949.
Genomic context (GRCh38, chr19:4,123,827, plus strand): 5'-GACCCCTGCCCACTCACTCGGAGGCGCCCTCGCTGGTAGGGGATGGGCCCTCGGCGATGG[T>C]AGGGTTGATGGTGAGCGCCGGCAGCACCGGCTTCCTCCGGGCCAGCATCGGGGCTCCGCG-3'
Protein context (NP_109587.1, residues 7-27): PVLPALTINP[Thr17Ala]IAEGPSPTSE